The following is an entry in ClinVar:

NM_000057.4(BLM):c.2433C>G (p.Tyr811Ter)

Gene: BLM (BLM RecQ like helicase; plus strand). Cytogenetic location: 15q26.1.
Variant type: single nucleotide variant.
Coding change: c.2433C>G on transcript NM_000057.4 (MANE Select); coding-DNA position 2433, C replaced by G.
Protein change: p.Tyr811Ter; replaces tyrosine 811 with a stop codon.
Molecular consequence: nonsense.
Genome position (GRCh38, 1-based): chr15:90,769,464, C>G. VCF-style: chr15-90769464-C-G. GRCh37 (hg19) VCF-style: chr15-91312694-C-G.
Other names: c.2433C>G, p.Tyr811Ter (NM_001287246.2, NM_001287247.2); c.1308C>G, p.Tyr436Ter (NM_001287248.2); short protein forms Y811*, Y436*.
Identifiers: ClinVar variation 4708585 (VCV004708585.1).

ClinVar aggregate classification (germline): Pathogenic (1 of 4 stars; one submission).

Conditions:
Bloom syndrome (BLM). Also called: Bloom-Torre-Machacek syndrome. Identifiers: Orphanet 125, MedGen C0005859, MONDO:0008876, OMIM 210900.

gnomAD v4.1: 1 of 1,614,064 alleles (0.000062%); highest among the groups gnomAD compares: Non-Finnish European, 0.000085%; no homozygotes.

Submission:

Labcorp Genetics (formerly Invitae), Labcorp
Classification: Pathogenic for Bloom syndrome. Last evaluated: 2025-03-19. Review status: criteria provided, single submitter. Criteria: Invitae Variant Classification Sherloc (09022015). Collection method: clinical testing. Allele origin: germline.
Comment: This sequence change creates a premature translational stop signal (p.Tyr811*) in the BLM gene. It is expected to result in an absent or disrupted protein product. Loss-of-function variants in BLM are known to be pathogenic (PMID: 17407155). This variant is not present in population databases (gnomAD no frequency). This variant has not been reported in the literature in individuals affected with BLM-related conditions. For these reasons, this variant has been classified as Pathogenic.

Literature cited by the submitters: PubMed 17407155.